The following is an entry in ClinVar:

ClinVar aggregate classification (germline): Uncertain significance (1 of 4 stars; one submission).

Submission:

GeneDx
Classification: Uncertain significance. Last evaluated: 2022-11-08. Review status: criteria provided, single submitter. Criteria: GeneDx Variant Classification Process June 2021. Collection method: clinical testing. Allele origin: germline. Affected: yes.
Comment: Not observed at significant frequency in large population cohorts (gnomAD); In silico analysis supports that this missense variant has a deleterious effect on protein structure/function; Has not been previously published as pathogenic or benign to our knowledge

NM_015057.5(MYCBP2):c.3862G>C (p.Asp1288His)

Gene: MYCBP2 (MYC binding protein 2; minus strand). Cytogenetic location: 13q22.3.
Variant type: single nucleotide variant.
Coding change: c.3862G>C on transcript NM_015057.5 (MANE Select); coding-DNA position 3862, G replaced by C.
Protein change: p.Asp1288His; replaces aspartic acid 1288 with histidine.
Molecular consequence: missense variant.
Genome position (GRCh38, 1-based): chr13:77,194,226, C>G on the plus strand (G>C on the coding strand, the complement: MYCBP2 is on the minus strand). VCF-style: chr13-77194226-C-G. GRCh37 (hg19) VCF-style: chr13-77768361-C-G.
Other names: short protein forms D1288H.
Identifiers: ClinVar variation 2501369 (VCV002501369.1), dbSNP rs2549162478, ClinGen allele CA388414363.